The following is an entry in ClinVar:

ClinVar aggregate classification (germline): Uncertain significance (1 of 4 stars; one submission).

gnomAD v4.1: 6 of 1,614,086 alleles (0.00037%); highest among the groups gnomAD compares: Non-Finnish European, 0.00051%; no homozygotes.

Submission:

Mayo Clinic Laboratories, Mayo Clinic
Classification: Uncertain significance. Last evaluated: 2025-02-05. Review status: criteria provided, single submitter. Criteria: ACMG Guidelines, 2015. Collection method: clinical testing. Allele origin: germline. Observed: 1 variant allele.
Comment: BP4, PM2_supporting

NM_000405.5(GM2A):c.491C>A (p.Thr164Asn)

Gene: GM2A (ganglioside GM2 activator; plus strand). Cytogenetic location: 5q33.1.
Variant type: single nucleotide variant.
Coding change: c.491C>A on transcript NM_000405.5 (MANE Select); coding-DNA position 491, C replaced by A.
Protein change: p.Thr164Asn; replaces threonine 164 with asparagine.
Molecular consequence: missense variant. On other transcripts: intron variant (1).
Genome position (GRCh38, 1-based): chr5:151,267,360, C>A. VCF-style: chr5-151267360-C-A. GRCh37 (hg19) VCF-style: chr5-150646921-C-A.
Other names: p.Thr164Asn; c.413-132C>A (NM_001167607.3); short protein forms T164N.
Identifiers: ClinVar variation 4541077 (VCV004541077.1).